The following is an entry in ClinVar:

ClinVar aggregate classification (germline): Uncertain significance (1 of 4 stars; one submission).

Allele frequency attached by ClinVar (database versions not stated): gnomAD 0.00001; gnomAD exomes 0.00001; ExAC 0.00002; 1000 Genomes Project 30x 0.00016; 1000 Genomes Project 0.00020.

Submission:

Labcorp Genetics (formerly Invitae), Labcorp
Classification: Uncertain significance. Last evaluated: 2022-11-01. Review status: criteria provided, single submitter. Criteria: Invitae Variant Classification Sherloc (09022015). Collection method: clinical testing. Allele origin: germline.
Comment: This variant has not been reported in the literature in individuals affected with S1PR2-related conditions. This variant is present in population databases (rs200439929, gnomAD 0.007%). This sequence change replaces arginine, which is basic and polar, with cysteine, which is neutral and slightly polar, at codon 130 of the S1PR2 protein (p.Arg130Cys). Algorithms developed to predict the effect of missense changes on protein structure and function (SIFT, PolyPhen-2, Align-GVGD) all suggest that this variant is likely to be disruptive. In summary, the available evidence is currently insufficient to determine the role of this variant in disease. Therefore, it has been classified as a Variant of Uncertain Significance.

NM_004230.4(S1PR2):c.388C>T (p.Arg130Cys)

Gene: S1PR2 (sphingosine-1-phosphate receptor 2; minus strand). Cytogenetic location: 19p13.2.
Variant type: single nucleotide variant.
Coding change: c.388C>T on transcript NM_004230.4 (MANE Select); coding-DNA position 388, C replaced by T.
Protein change: p.Arg130Cys; replaces arginine 130 with cysteine.
Molecular consequence: missense variant.
Genome position (GRCh38, 1-based): chr19:10,224,518, G>A on the plus strand (C>T on the coding strand, the complement: S1PR2 is on the minus strand). VCF-style: chr19-10224518-G-A. GRCh37 (hg19) VCF-style: chr19-10335194-G-A.
Other names: short protein forms R130C.
Identifiers: ClinVar variation 1949246 (VCV001949246.5), dbSNP rs200439929, ClinGen allele CA9189106.